The following is an entry in ClinVar:

ClinVar aggregate classification (germline): Uncertain significance (0 of 4 stars; one submission).

Conditions:
F10-related disorder. Also called: F10-related condition.

gnomAD v4.1: 1 of 1,613,126 alleles (0.000062%); highest among the groups gnomAD compares: African/African-American, 0.0013%; no homozygotes.

Submission:

PreventionGenetics, part of Exact Sciences
Classification: Uncertain significance for F10-related condition. Last evaluated: 2024-03-28. Review status: no assertion criteria provided. Collection method: clinical testing. Allele origin: germline.
Comment: The F10 c.1264C>G variant is predicted to result in the amino acid substitution p.Pro422Ala. To our knowledge, this variant has not been reported in the literature. This variant is reported in 0.011% of alleles in individuals of African descent in gnomAD. An alternate missense change at the same amino acid position has been reported in the homozygous state in a patient with factor X deficiency (Pro422Leu, published with alt nomenclature Pro382Leu; Deam et al. 2004. PubMed ID: 15543350). At this time, the clinical significance of the p.Pro422Ala variant is uncertain due to the absence of conclusive functional and genetic evidence.

NM_000504.4(F10):c.1264C>G (p.Pro422Ala)

Genes: F10 (coagulation factor X; plus strand), F10-AS2 (F10 antisense RNA 2; minus strand). Cytogenetic location: 13q34.
Variant type: single nucleotide variant.
Coding change: c.1264C>G on transcript NM_000504.4 (MANE Select); coding-DNA position 1264, C replaced by G.
Protein change: p.Pro422Ala; replaces proline 422 with alanine.
Molecular consequence: missense variant. On other transcripts: 3 prime UTR variant (1).
Genome position (GRCh38, 1-based): chr13:113,149,314, C>G. VCF-style: chr13-113149314-C-G. GRCh37 (hg19) VCF-style: chr13-113803628-C-G.
Other names: c.1132C>G, p.Pro378Ala (NM_001312674.2); c.*255C>G (NM_001312675.2); short protein forms P378A, P422A.
Identifiers: ClinVar variation 3348717 (VCV003348717.1).